The following is an entry in ClinVar:

NM_001042424.3(NSD2):c.1183A>G (p.Ile395Val)

Gene: NSD2 (nuclear receptor binding SET domain protein 2; plus strand). Cytogenetic location: 4p16.3.
Variant type: single nucleotide variant.
Coding change: c.1183A>G on transcript NM_001042424.3 (MANE Select); coding-DNA position 1183, A replaced by G.
Protein change: p.Ile395Val; replaces isoleucine 395 with valine.
Molecular consequence: missense variant.
Genome position (GRCh38, 1-based): chr4:1,918,396, A>G. VCF-style: chr4-1918396-A-G. GRCh37 (hg19) VCF-style: chr4-1920123-A-G.
Other names: c.1183A>G, p.Ile395Val (NM_007331.2, NM_133330.3, NM_133331.3 and 2 more transcripts); short protein forms I395V.
Identifiers: ClinVar variation 2081006 (VCV002081006.6), dbSNP rs757846841, ClinGen allele CA2812038.
Genomic context (GRCh38, chr4:1,918,396, plus strand): 5'-GAATCCTCAGGAGTCAGTGAAGAAGCTGCTGAAAACCCCAAGTCTGTGAGAGAAGAGTGC[A>G]TTCCCATGAAGAGAAGGCGGAGGGCCAAACTGTGTAGCTCTGCAGAGACCCTGGAGAGTC-3'
Protein context (NP_001035889.1, residues 385-405): ENPKSVREEC[Ile395Val]PMKRRRRAKL

ClinVar aggregate classification (germline): Conflicting classifications of pathogenicity. Review status: criteria provided, conflicting classifications (1 of 4 stars). 2 submissions from 2 submitters: Uncertain significance (1); Likely benign (1). Last evaluated 2024-10-15.

Conditions:
Inborn genetic diseases. Identifiers: MedGen C0950123, MeSH D030342.

Allele frequency attached by ClinVar (database versions not stated): gnomAD 0.00001; gnomAD exomes 0.00001; ExAC 0.00006; TOPMed 0.00002.
gnomAD v4.1: 26 of 1,614,018 alleles (0.0016%); highest among the groups gnomAD compares: South Asian, 0.016%; no homozygotes.

Submissions (2):

Labcorp Genetics (formerly Invitae), Labcorp
Classification: Uncertain significance. Last evaluated: 2024-10-15. Review status: criteria provided, single submitter. Criteria: Invitae Variant Classification Sherloc (09022015). Collection method: clinical testing. Allele origin: germline.
Comment: This sequence change replaces isoleucine, which is neutral and non-polar, with valine, which is neutral and non-polar, at codon 395 of the WHSC1 protein (p.Ile395Val). This variant is present in population databases (rs757846841, gnomAD 0.02%). This variant has not been reported in the literature in individuals affected with WHSC1-related conditions. ClinVar contains an entry for this variant (Variation ID: 2081006). An algorithm developed to predict the effect of missense changes on protein structure and function outputs the following: PolyPhen-2: "Benign". The valine amino acid residue is found in multiple mammalian species, which suggests that this missense change does not adversely affect protein function. In summary, the available evidence is currently insufficient to determine the role of this variant in disease. Therefore, it has been classified as a Variant of Uncertain Significance.

Ambry Genetics
Classification: Likely benign for Inborn genetic diseases. Last evaluated: 2023-06-29. Review status: criteria provided, single submitter. Criteria: Ambry Variant Classification Scheme 2023. Collection method: clinical testing. Allele origin: germline.